The following is an entry in ClinVar:

ClinVar aggregate classification (germline): Uncertain significance. Review status: criteria provided, multiple submitters, no conflicts (2 of 4 stars). 2 submissions from 2 submitters: Uncertain significance (2). Last evaluated 2025-10-06.

Conditions:
Inborn genetic diseases. Identifiers: MedGen C0950123, MeSH D030342.
Immunodeficiency, common variable, 10. Also called: IMMUNODEFICIENCY, COMMON VARIABLE, WITH CENTRAL ADRENAL INSUFFICIENCY; DEFICIT IN ANTERIOR PITUITARY FUNCTION AND VARIABLE IMMUNODEFICIENCY. Identifiers: MedGen C3809991, MONDO:0014260, OMIM 615577.

Allele frequency attached by ClinVar (database versions not stated): gnomAD 0.00005; TOPMed 0.00006; gnomAD exomes 0.00007 and 0.00033; ESP Exome Variant Server 0.00008; ExAC 0.00009.

Submissions (2):

Labcorp Genetics (formerly Invitae), Labcorp
Classification: Uncertain significance for Immunodeficiency, common variable, 10. Last evaluated: 2025-10-06. Review status: criteria provided, single submitter. Criteria: Invitae Variant Classification Sherloc (09022015). Collection method: clinical testing. Allele origin: germline.
Comment: This sequence change replaces glutamine, which is neutral and polar, with leucine, which is neutral and non-polar, at codon 591 of the NFKB2 protein (p.Gln591Leu). This variant is present in population databases (rs375798485, gnomAD 0.02%). This variant has not been reported in the literature in individuals affected with NFKB2-related conditions. ClinVar contains an entry for this variant (Variation ID: 852089). An algorithm developed to predict the effect of missense changes on protein structure and function (PolyPhen-2) suggests that this variant is likely to be tolerated. In summary, the available evidence is currently insufficient to determine the role of this variant in disease. Therefore, it has been classified as a Variant of Uncertain Significance.

Ambry Genetics
Classification: Uncertain significance for Inborn genetic diseases. Last evaluated: 2024-10-24. Review status: criteria provided, single submitter. Criteria: Ambry Variant Classification Scheme 2023. Collection method: clinical testing. Allele origin: germline.

NM_001322934.2(NFKB2):c.1772A>T (p.Gln591Leu)

Gene: NFKB2 (nuclear factor kappa B subunit 2; plus strand). Cytogenetic location: 10q24.32.
Variant type: single nucleotide variant.
Coding change: c.1772A>T on transcript NM_001322934.2 (MANE Select); coding-DNA position 1772, A replaced by T.
Protein change: p.Gln591Leu; replaces glutamine 591 with leucine.
Molecular consequence: missense variant.
Genome position (GRCh38, 1-based): chr10:102,400,465, A>T. VCF-style: chr10-102400465-A-T. GRCh37 (hg19) VCF-style: chr10-104160222-A-T.
Other names: c.1772A>T, p.Gln591Leu (NM_001077494.3, NM_001261403.3, NM_001288724.1 and 1 more transcripts); c.1646A>T, p.Gln549Leu (NM_001322935.1); c.1772A>T (NM_001077494.1); short protein forms Q549L, Q591L.
Identifiers: ClinVar variation 852089 (VCV000852089.10), dbSNP rs375798485, ClinGen allele CA5664885.